The following is an entry in ClinVar:

ClinVar aggregate classification (germline): Uncertain significance (1 of 4 stars; one submission).

Conditions:
Hereditary cancer-predisposing syndrome. Also called: Neoplastic Syndromes, Hereditary; Tumor predisposition; Hereditary Cancer Syndrome; Hereditary neoplastic syndrome. Identifiers: Orphanet 140162, MedGen C0027672, MeSH D009386, MONDO:0015356.

Submission:

Ambry Genetics
Classification: Uncertain significance for Hereditary cancer-predisposing syndrome. Last evaluated: 2022-05-01. Review status: criteria provided, single submitter. Criteria: Ambry Variant Classification Scheme 2023. Collection method: clinical testing. Allele origin: germline.
Comment: The p.K715E variant (also known as c.2143A>G), located in coding exon 14 of the NBN gene, results from an A to G substitution at nucleotide position 2143. The lysine at codon 715 is replaced by glutamic acid, an amino acid with similar properties. This amino acid position is conserved. In addition, this alteration is predicted to be tolerated by in silico analysis. Since supporting evidence is limited at this time, the clinical significance of this alteration remains unclear.

NM_002485.5(NBN):c.2143A>G (p.Lys715Glu)

Gene: NBN (nibrin; minus strand). Cytogenetic location: 8q21.3.
Variant type: single nucleotide variant.
Coding change: c.2143A>G on transcript NM_002485.5 (MANE Select); coding-DNA position 2143, A replaced by G.
Protein change: p.Lys715Glu; replaces lysine 715 with glutamic acid.
Molecular consequence: missense variant.
Genome position (GRCh38, 1-based): chr8:89,943,294, T>C on the plus strand (A>G on the coding strand, the complement: NBN is on the minus strand). VCF-style: chr8-89943294-T-C. GRCh37 (hg19) VCF-style: chr8-90955522-T-C.
Other names: c.1897A>G, p.Lys633Glu (NM_001024688.3); short protein forms K633E, K715E.
Identifiers: ClinVar variation 1786614 (VCV001786614.2), dbSNP rs2130755556, ClinGen allele CA371675466.